The following is an entry in ClinVar:

ClinVar aggregate classification (germline): Uncertain significance. Review status: criteria provided, multiple submitters, no conflicts (2 of 4 stars). 3 submissions from 3 submitters: Uncertain significance (3). Last evaluated 2022-01-06.

Conditions:
Inborn genetic diseases. Identifiers: MedGen C0950123, MeSH D030342.

Allele frequency attached by ClinVar (database versions not stated): gnomAD exomes below 0.00001; ExAC 0.00001; TOPMed 0.00003; 1000 Genomes Project 0.00020; 1000 Genomes Project 30x 0.00031.
gnomAD v4.1: 8 of 1,614,186 alleles (0.0005%); highest among the groups gnomAD compares: African/African-American, 0.011%; no homozygotes.

Submissions (3):

Ambry Genetics
Classification: Uncertain significance for Inborn genetic diseases. Last evaluated: 2022-01-06. Review status: criteria provided, single submitter. Criteria: Ambry Variant Classification Scheme 2023. Collection method: clinical testing. Allele origin: germline.

Labcorp Genetics (formerly Invitae), Labcorp
Classification: Uncertain significance. Last evaluated: 2021-08-31. Review status: criteria provided, single submitter. Criteria: Invitae Variant Classification Sherloc (09022015). Collection method: clinical testing. Allele origin: germline.
Comment: This sequence change replaces proline with threonine at codon 155 of the VDR protein (p.Pro155Thr). The proline residue is highly conserved and there is a small physicochemical difference between proline and threonine. This variant is present in population databases (rs201814357, ExAC 0.01%). This variant has not been reported in the literature in individuals affected with VDR-related conditions. Algorithms developed to predict the effect of missense changes on protein structure and function are either unavailable or do not agree on the potential impact of this missense change (SIFT: "Deleterious"; PolyPhen-2: "Possibly Damaging"; Align-GVGD: "Class C0"). In summary, the available evidence is currently insufficient to determine the role of this variant in disease. Therefore, it has been classified as a Variant of Uncertain Significance.

GeneDx
Classification: Uncertain significance. Last evaluated: 2019-05-28. Review status: criteria provided, single submitter. Criteria: GeneDx Variant Classification Process June 2021. Collection method: clinical testing. Allele origin: germline. Affected: yes.
Comment: In silico analysis, which includes protein predictors and evolutionary conservation, supports a deleterious effect; Has not been previously published as pathogenic or benign to our knowledge

NM_000376.3(VDR):c.463C>A (p.Pro155Thr)

Gene: VDR (vitamin D receptor; minus strand). Cytogenetic location: 12q13.11.
Variant type: single nucleotide variant.
Coding change: c.463C>A on transcript NM_000376.3 (MANE Select); coding-DNA position 463, C replaced by A.
Protein change: p.Pro155Thr; replaces proline 155 with threonine.
Molecular consequence: missense variant.
Genome position (GRCh38, 1-based): chr12:47,857,249, G>T on the plus strand (C>A on the coding strand, the complement: VDR is on the minus strand). VCF-style: chr12-47857249-G-T. GRCh37 (hg19) VCF-style: chr12-48251032-G-T.
Other names: c.463C>A, p.Pro155Thr (NM_001017535.2, NM_001364085.2, NM_001374661.1 and 1 more transcripts); c.613C>A, p.Pro205Thr (NM_001017536.2); short protein forms P155T, P205T.
Identifiers: ClinVar variation 1006650 (VCV001006650.8), dbSNP rs201814357, ClinGen allele CA6533926.